The following is an entry in ClinVar:

NM_001080453.3(INTS1):c.3585G>A (p.Pro1195=)

Gene: INTS1 (integrator complex subunit 1; minus strand). Cytogenetic location: 7p22.3.
Variant type: single nucleotide variant.
Coding change: c.3585G>A on transcript NM_001080453.3 (MANE Select); coding-DNA position 3585, G replaced by A.
Protein change: p.Pro1195=; no amino-acid change (proline 1195 retained).
Molecular consequence: synonymous variant.
Genome position (GRCh38, 1-based): chr7:1,482,664, C>T on the plus strand (G>A on the coding strand, the complement: INTS1 is on the minus strand). VCF-style: chr7-1482664-C-T. GRCh37 (hg19) VCF-style: chr7-1522300-C-T.
Other names: c.102G>A, p.Pro34= (NM_015674.1); c.3585G>A (NM_001080453.2).
Identifiers: ClinVar variation 2657198 (VCV002657198.26), dbSNP rs371444064, ClinGen allele CA4119196.

ClinVar aggregate classification (germline): Likely benign. Review status: criteria provided, multiple submitters, no conflicts (2 of 4 stars). 3 submissions from 3 submitters: Likely benign (2). 1 of the submissions does not count toward it. Last evaluated 2023-12-12.

Conditions:
INTS1-related disorder. Also called: INTS1-related condition.

Allele frequency attached by ClinVar (database versions not stated): TOPMed 0.00007; ESP Exome Variant Server 0.00008; gnomAD 0.00010; gnomAD exomes 0.00012; ExAC 0.00029.
gnomAD v4.1: 181 of 1,612,748 alleles (0.011%); highest among the groups gnomAD compares: South Asian, 0.16%; 4 homozygotes.

Submissions (3):

Blueprint Genetics
Classification: Likely benign. Last evaluated: 2023-12-12. Review status: criteria provided, single submitter. Criteria: ACMG Guidelines, 2015. Collection method: clinical testing. Allele origin: germline.

CeGaT Center for Human Genetics Tuebingen
Classification: Likely benign. Last evaluated: 2023-08-01. Review status: criteria provided, single submitter. Criteria: CeGaT Center For Human Genetics Tuebingen Variant Classification Criteria Version 2. Collection method: clinical testing. Allele origin: germline. Affected: yes. Observed: 1 variant allele.
Comment: INTS1: BP4, BP7

PreventionGenetics, part of Exact Sciences
Classification: Likely benign for INTS1-related condition. Last evaluated: 2022-03-28. Review status: no assertion criteria provided. Collection method: clinical testing. Allele origin: germline. Not counted in ClinVar's aggregate classification.
Comment: This variant is classified as likely benign based on ACMG/AMP sequence variant interpretation guidelines (Richards et al. 2015 PMID: 25741868, with internal and published modifications).